The following is an entry in ClinVar:

ClinVar aggregate classification (germline): Benign. Review status: criteria provided, multiple submitters, no conflicts (2 of 4 stars). 6 submissions from 6 submitters: Benign (6). Last evaluated 2026-02-04.

Conditions:
Neonatal-onset encephalopathy with rigidity and seizures. Also called: Lethal neonatal spasticity-epileptic encephalopathy syndrome. Identifiers: Orphanet 435845, MedGen C3281029, MONDO:0013784, OMIM 614498.

Allele frequency attached by ClinVar (database versions not stated): TOPMed 0.05044; gnomAD exomes 0.05945 and 0.06797; ExAC 0.06624; 1000 Genomes Project 30x 0.08401; ESP Exome Variant Server 0.03841; gnomAD 0.04425 and 0.04870; 1000 Genomes Project 0.08886.
gnomAD v4.1: 93,572 of 1,597,516 alleles (5.9%); highest among the groups gnomAD compares: East Asian, 27%; 4,204 homozygotes.

Submissions (6):

Labcorp Genetics (formerly Invitae), Labcorp
Classification: Benign for Neonatal-onset encephalopathy with rigidity and seizures. Last evaluated: 2026-02-04. Review status: criteria provided, single submitter. Criteria: Invitae Variant Classification Sherloc (09022015). Collection method: clinical testing. Allele origin: germline.

Blueprint Genetics
Classification: Benign. Last evaluated: 2024-11-27. Review status: criteria provided, single submitter. Criteria: ACMG Guidelines, 2015. Collection method: clinical testing. Allele origin: germline.

Unidad de Genómica Garrahan, Hospital de Pediatría Garrahan
Classification: Benign. Last evaluated: 2024-07-15. Review status: criteria provided, single submitter. Criteria: ACMG Guidelines, 2015. Collection method: clinical testing. Allele origin: germline. Affected: no. Observed: 21 variant alleles.
Comment: This variant is classified as Benign based on local population frequency. This variant was detected in 23% of patients studied in a panel designed for Epileptic and Developmental Encephalopathy and Progressive Myoclonus Epilepsy. Number of patients: 21. Only high quality variants are reported.

Mayo Clinic Laboratories, Mayo Clinic
Classification: Benign. Last evaluated: 2021-11-29. Review status: criteria provided, single submitter. Criteria: ACMG Guidelines, 2015. Collection method: clinical testing. Allele origin: germline. Observed: 27 variant alleles.

GeneDx
Classification: Benign. Last evaluated: 2018-07-15. Review status: criteria provided, single submitter. Criteria: GeneDx Variant Classification Process June 2021. Collection method: clinical testing. Allele origin: germline. Affected: yes.

Athena Diagnostics
Classification: Benign. Last evaluated: 2017-04-20. Review status: criteria provided, single submitter. Criteria: Athena Diagnostics Criteria. Collection method: clinical testing. Allele origin: germline.

NM_152743.4(BRAT1):c.1923G>A (p.Ala641=)

Gene: BRAT1 (BRCA1 associated ATM activator 1; minus strand). Cytogenetic location: 7p22.3.
Variant type: single nucleotide variant.
Coding change: c.1923G>A on transcript NM_152743.4 (MANE Select); coding-DNA position 1923, G replaced by A.
Protein change: p.Ala641=; no amino-acid change (alanine 641 retained).
Molecular consequence: synonymous variant. On other transcripts: non-coding transcript variant (1).
Genome position (GRCh38, 1-based): chr7:2,538,612, C>T on the plus strand (G>A on the coding strand, the complement: BRAT1 is on the minus strand). VCF-style: chr7-2538612-C-T. GRCh37 (hg19) VCF-style: chr7-2578246-C-T.
Other names: p.Ala641=; c.2103G>A, p.Ala701= (NM_001350626.2); c.1398G>A, p.Ala466= (NM_001350627.2).
Identifiers: ClinVar variation 585488 (VCV000585488.16), dbSNP rs2917726, ClinGen allele CA4127516.